The following is an entry in ClinVar:

NM_002471.4(MYH6):c.5805G>T (p.Met1935Ile)

Gene: MYH6 (myosin heavy chain 6; minus strand). Cytogenetic location: 14q11.2.
Variant type: single nucleotide variant.
Coding change: c.5805G>T on transcript NM_002471.4 (MANE Select); coding-DNA position 5805, G replaced by T.
Protein change: p.Met1935Ile; replaces methionine 1935 with isoleucine.
Molecular consequence: missense variant.
Genome position (GRCh38, 1-based): chr14:23,382,055, C>A on the plus strand (G>T on the coding strand, the complement: MYH6 is on the minus strand). VCF-style: chr14-23382055-C-A. GRCh37 (hg19) VCF-style: chr14-23851264-C-A.
Other names: short protein forms M1935I.
Identifiers: ClinVar variation 955979 (VCV000955979.11), dbSNP rs372265811, ClinGen allele CA7114263.
Genomic context (GRCh38, chr14:23,382,055, plus strand): 5'-TCATATTTATTACAGGTTGGCAAGAGTGAGGTTCCCGAGGCAGTGTCACTCCTCATCGTG[C>A]ATTTTTTGCTGCAAAAAGAATAAGAGGTGTGAGGGGGCAGCTGGCAAGAGGGAGAAGTGT-3'
Protein context (NP_002462.2, residues 1925-1939): KSRDIGAKQK[Met1935Ile]HDEE

ClinVar aggregate classification (germline): Uncertain significance. Review status: criteria provided, multiple submitters, no conflicts (2 of 4 stars). 2 submissions from 2 submitters: Uncertain significance (2). Last evaluated 2022-05-02.

Conditions:
Cardiovascular phenotype. Identifiers: MedGen CN230736.
Hypertrophic cardiomyopathy 14. Identifiers: MedGen C2750467, MONDO:0013197, OMIM 613251.

Allele frequency attached by ClinVar (database versions not stated): gnomAD exomes 0.00001; TOPMed 0.00001; ExAC 0.00002; ESP Exome Variant Server 0.00008.

Submissions (2):

Ambry Genetics
Classification: Uncertain significance for Cardiovascular phenotype. Last evaluated: 2022-05-02. Review status: criteria provided, single submitter. Criteria: Ambry Variant Classification Scheme 2023. Collection method: clinical testing. Allele origin: germline.
Comment: The p.M1935I variant (also known as c.5805G>T), located in coding exon 37 of the MYH6 gene, results from a G to T substitution at nucleotide position 5805. The methionine at codon 1935 is replaced by isoleucine, an amino acid with highly similar properties. This amino acid position is well conserved in available vertebrate species. In addition, this alteration is predicted to be tolerated by in silico analysis. Since supporting evidence is limited at this time, the clinical significance of this alteration remains unclear.

Labcorp Genetics (formerly Invitae), Labcorp
Classification: Uncertain significance for Hypertrophic cardiomyopathy 14. Last evaluated: 2019-10-31. Review status: criteria provided, single submitter. Criteria: Invitae Variant Classification Sherloc (09022015). Collection method: clinical testing. Allele origin: germline.
Comment: This sequence change replaces methionine with isoleucine at codon 1935 of the MYH6 protein (p.Met1935Ile). The methionine residue is weakly conserved and there is a small physicochemical difference between methionine and isoleucine. This variant is present in population databases (rs372265811, ExAC 0.003%). This variant has not been reported in the literature in individuals with MYH6-related conditions. Algorithms developed to predict the effect of missense changes on protein structure and function (SIFT, PolyPhen-2, Align-GVGD) all suggest that this variant is likely to be tolerated, but these predictions have not been confirmed by published functional studies and their clinical significance is uncertain. In summary, the available evidence is currently insufficient to determine the role of this variant in disease. Therefore, it has been classified as a Variant of Uncertain Significance.